The following is an entry in ClinVar:

ClinVar aggregate classification (germline): Uncertain significance (1 of 4 stars; one submission).

Conditions:
Renal cell carcinoma. Identifiers: Orphanet 217071, MedGen C0007134, MeSH D002292, MONDO:0005086, HP:0005584.

Submission:

Labcorp Genetics (formerly Invitae), Labcorp
Classification: Uncertain significance for Renal cell carcinoma. Last evaluated: 2023-10-23. Review status: criteria provided, single submitter. Criteria: Invitae Variant Classification Sherloc (09022015). Collection method: clinical testing. Allele origin: germline.
Comment: This sequence change replaces isoleucine, which is neutral and non-polar, with leucine, which is neutral and non-polar, at codon 1187 of the MET protein (p.Ile1187Leu). This variant is not present in population databases (gnomAD no frequency). This variant has not been reported in the literature in individuals affected with MET-related conditions. Advanced modeling of protein sequence and biophysical properties (such as structural, functional, and spatial information, amino acid conservation, physicochemical variation, residue mobility, and thermodynamic stability) performed at Invitae indicates that this missense variant is expected to disrupt MET protein function. In summary, the available evidence is currently insufficient to determine the role of this variant in disease. Therefore, it has been classified as a Variant of Uncertain Significance.

NM_000245.4(MET):c.3505A>C (p.Ile1169Leu)

Gene: MET (MET proto-oncogene, receptor tyrosine kinase; plus strand). Cytogenetic location: 7q31.2.
Variant type: single nucleotide variant.
Coding change: c.3505A>C on transcript NM_000245.4 (MANE Select); coding-DNA position 3505, A replaced by C.
Protein change: p.Ile1169Leu; replaces isoleucine 1169 with leucine.
Molecular consequence: missense variant.
Genome position (GRCh38, 1-based): chr7:116,778,940, A>C. VCF-style: chr7-116778940-A-C. GRCh37 (hg19) VCF-style: chr7-116418994-A-C.
Other names: c.3559A>C, p.Ile1187Leu (NM_001127500.3); c.2215A>C, p.Ile739Leu (NM_001324402.2); short protein forms I1187L, I1169L, I739L.
Identifiers: ClinVar variation 2771244 (VCV002771244.3), dbSNP rs752109953, ClinGen allele CA368990333.